The following is an entry in ClinVar:

ClinVar aggregate classification (germline): Uncertain significance (1 of 4 stars; one submission).

Submission:

GeneDx
Classification: Uncertain significance. Last evaluated: 2025-05-05. Review status: criteria provided, single submitter. Criteria: GeneDx Variant Classification Process June 2021. Collection method: clinical testing. Allele origin: germline. Affected: yes.
Comment: Not observed at significant frequency in large population cohorts (gnomAD); In silico analysis suggests that this missense variant does not alter protein structure/function; Has not been previously published as pathogenic or benign to our knowledge

NM_001271.4(CHD2):c.4454A>G (p.Gln1485Arg)

Gene: CHD2 (chromodomain helicase DNA binding protein 2; plus strand). Cytogenetic location: 15q26.1.
Variant type: single nucleotide variant.
Coding change: c.4454A>G on transcript NM_001271.4 (MANE Select); coding-DNA position 4454, A replaced by G.
Protein change: p.Gln1485Arg; replaces glutamine 1485 with arginine.
Molecular consequence: missense variant.
Genome position (GRCh38, 1-based): chr15:93,009,185, A>G. VCF-style: chr15-93009185-A-G. GRCh37 (hg19) VCF-style: chr15-93552415-A-G.
Other names: short protein forms Q1485R.
Identifiers: ClinVar variation 4527716 (VCV004527716.1).